The following is an entry in ClinVar:

ClinVar aggregate classification (germline): Likely pathogenic (1 of 4 stars; one submission).

Conditions:
Retinitis pigmentosa 25 (RP25). Identifiers: Orphanet 791, MedGen C1864446, MONDO:0011272, OMIM 602772.

Submission:

Natera, Inc.
Classification: Likely pathogenic for Retinitis pigmentosa type 25. Last evaluated: 2024-07-10. Review status: criteria provided, single submitter. Criteria: Natera Variant Classification Schema (03/2026). Collection method: clinical testing. Allele origin: germline.
Comment: The c.2626del variant in EYS is a frameshift variant predicted to shift the reading frame beginning at codon 876 and leads to a stop codon 16 codons downstream. This variant is expected to result in nonsense mediated decay, truncation, or a dysfunctional protein product. This variant is rare in the general population with a frequency below the threshold expected for the associated phenotype(s). Given the available evidence, this variant is classified as Likely Pathogenic.

NM_001142800.2(EYS):c.2626del (p.Cys876fs)

Gene: EYS (EGF-like photoreceptor maintenance factor; minus strand). Cytogenetic location: 6q12.
Variant type: Deletion.
Coding change: c.2626del on transcript NM_001142800.2 (MANE Select); coding-DNA position 2626, one base deleted (T; older notation c.2626delT).
Protein change: p.Cys876fs; shifts the reading frame from cysteine 876.
Molecular consequence: frameshift variant.
Genome position (GRCh38, 1-based): chr6:64,912,499, A deleted on the plus strand (T on the coding strand, the reverse complement: EYS is on the minus strand); the first of 2 consecutive A bases (chr6:64,912,499-64,912,500); deleting either gives the same sequence. VCF-style (leftmost placement, unchanged base first): chr6-64912498-CA-C. GRCh37 (hg19) VCF-style: chr6-65622391-CA-C.
Other names: c.2626del, p.Cys876fs (NM_001292009.2); short protein forms C876fs.
Identifiers: ClinVar variation 4814624 (VCV004814624.1).
Genomic context (GRCh38, chr6:64,912,498, plus strand): 5'-AATTAAGTAATTATTTAAAAACAATAAAATCCATATTAGCTCTTACCTTCTCTACAAATA[CA>C]ATGCTGATTTGCGTCTACCAAAGCTAAGCATGTTGAGTTGTTTCTGCAAGGGTTATGAAG-3'